The following is an entry in ClinVar:

NM_003060.4(SLC22A5):c.1451-2A>G

Gene: SLC22A5 (solute carrier family 22 member 5; plus strand). Cytogenetic location: 5q31.1.
Variant type: single nucleotide variant.
Coding change: c.1451-2A>G on transcript NM_003060.4 (MANE Select); the canonical splice acceptor site of the intron before coding-DNA position 1451, A replaced by G.
Molecular consequence: splice acceptor variant.
Genome position (GRCh38, 1-based): chr5:132,393,674, A>G. VCF-style: chr5-132393674-A-G. GRCh37 (hg19) VCF-style: chr5-131729366-A-G.
Other names: c.1523-2A>G (NM_001308122.2).
Identifiers: ClinVar variation 2678786 (VCV002678786.2), dbSNP rs2532141155, ClinGen allele CA360809538.

ClinVar aggregate classification (germline): Pathogenic/Likely pathogenic. Review status: criteria provided, multiple submitters, no conflicts (2 of 4 stars). 2 submissions from 2 submitters: Pathogenic (1); Likely pathogenic (1). Last evaluated 2025-11-10.

Conditions:
Renal carnitine transport defect (CDSP). Also called: Carnitine Deficiency, Systemic; Systemic primary carnitine deficiency; Carnitine transporter deficiency; Primary carnitine deficiency; Systemic primary carnitine deficiency disease; CARNITINE DEFICIENCY, SYSTEMIC, DUE TO DEFECT IN RENAL REABSORPTION OF CARNITINE. Identifiers: Orphanet 158, MedGen C0342788, MONDO:0008919, OMIM 212140.

Submissions (2):

Labcorp Genetics (formerly Invitae), Labcorp
Classification: Pathogenic for Renal carnitine transport defect. Last evaluated: 2025-11-10. Review status: criteria provided, single submitter. Criteria: Invitae Variant Classification Sherloc (09022015). Collection method: clinical testing. Allele origin: germline.
Comment: This sequence change affects an acceptor splice site in intron 8 of the SLC22A5 gene. It is expected to disrupt RNA splicing. Variants that disrupt the donor or acceptor splice site typically lead to a loss of protein function (PMID: 16199547), and loss-of-function variants in SLC22A5 are known to be pathogenic (PMID: 9916797). This variant is not present in population databases (gnomAD no frequency). Disruption of this splice site has been observed in individual(s) with primary carnitine deficiency (PMID: 9916797). ClinVar contains an entry for this variant (Variation ID: 2678786). Algorithms developed to predict the effect of sequence changes on RNA splicing suggest that this variant may disrupt the consensus splice site. For these reasons, this variant has been classified as Pathogenic.

Baylor Genetics
Classification: Likely pathogenic for Renal carnitine transport defect. Last evaluated: 2023-10-17. Review status: criteria provided, single submitter. Criteria: ACMG Guidelines, 2015. Collection method: clinical testing. Allele origin: unknown.

Literature cited by the submitters: PubMed 16199547 (cited by Labcorp Genetics (formerly Invitae), Labcorp); PubMed 9916797 (cited by Labcorp Genetics (formerly Invitae), Labcorp).